The following is an entry in ClinVar:

NM_001384140.1(PCDH15):c.2333A>G (p.Asn778Ser)

Gene: PCDH15 (protocadherin related 15; minus strand). Cytogenetic location: 10q21.1.
Variant type: single nucleotide variant.
Coding change: c.2333A>G on transcript NM_001384140.1 (MANE Select); coding-DNA position 2333, A replaced by G.
Protein change: p.Asn778Ser; replaces asparagine 778 with serine.
Molecular consequence: missense variant.
Genome position (GRCh38, 1-based): chr10:54,023,085, T>C on the plus strand (A>G on the coding strand, the complement: PCDH15 is on the minus strand). VCF-style: chr10-54023085-T-C. GRCh37 (hg19) VCF-style: chr10-55782845-T-C.
Other names: c.2348A>G, p.Asn783Ser (NM_001142763.2, NM_001142771.2); c.2333A>G, p.Asn778Ser (NM_001142764.2, NM_001142766.2, NM_001142770.3 and 5 more transcripts); c.2120A>G, p.Asn707Ser (NM_001142765.2); c.2222A>G, p.Asn741Ser (NM_001142767.2); c.2267A>G, p.Asn756Ser (NM_001142768.2, NM_001142773.2, NM_001354404.2); c.2369A>G, p.Asn790Ser (NM_001142769.4); c.2354A>G, p.Asn785Ser (NM_001354411.2); short protein forms N707S, N756S, N741S, N785S, N790S, N778S, N783S.
Identifiers: ClinVar variation 1440300 (VCV001440300.3), dbSNP rs754777315, ClinGen allele CA5506050.
Genomic context (GRCh38, chr10:54,023,085, plus strand): 5'-GGGTGTACTGCTCCATCTGTTGCCACAACAACAAGTTCATAGTAGTCCCTGACTTCTCTG[T>C]TAAGCTTCACTGCTGTGTAAATGCTCCCATTGGATGTGATACGAAAAAGATTATTAAAGT-3'
Protein context (NP_001371069.1, residues 768-788): NGSIYTAVKL[Asn778Ser]REVRDYYELV

ClinVar aggregate classification (germline): Uncertain significance (1 of 4 stars; one submission).

Allele frequency attached by ClinVar (database versions not stated): gnomAD exomes 0.00001; ExAC 0.00001.
gnomAD v4.1: 9 of 1,614,036 alleles (0.00056%); highest among the groups gnomAD compares: Non-Finnish European, 0.00025%; no homozygotes.

Submission:

Labcorp Genetics (formerly Invitae), Labcorp
Classification: Uncertain significance. Last evaluated: 2022-02-24. Review status: criteria provided, single submitter. Criteria: Invitae Variant Classification Sherloc (09022015). Collection method: clinical testing. Allele origin: germline.
Comment: This sequence change replaces asparagine, which is neutral and polar, with serine, which is neutral and polar, at codon 778 of the PCDH15 protein (p.Asn778Ser). This variant is present in population databases (rs754777315, gnomAD 0.01%). This variant has not been reported in the literature in individuals affected with PCDH15-related conditions. Algorithms developed to predict the effect of missense changes on protein structure and function are either unavailable or do not agree on the potential impact of this missense change (SIFT: "Deleterious"; PolyPhen-2: "Benign"; Align-GVGD: "Class C0"). In summary, the available evidence is currently insufficient to determine the role of this variant in disease. Therefore, it has been classified as a Variant of Uncertain Significance.